The following is an entry in ClinVar:

ClinVar aggregate classification (germline): Uncertain significance (1 of 4 stars; one submission).

Allele frequency attached by ClinVar (database versions not stated): ExAC 0.00001; gnomAD 0.00001; ESP Exome Variant Server 0.00008.
gnomAD v4.1: 3 of 1,602,294 alleles (0.00019%); highest among the groups gnomAD compares: African/African-American, 0.0014%; no homozygotes.

Submission:

Ambry Genetics
Classification: Uncertain significance. Last evaluated: 2023-09-27. Review status: criteria provided, single submitter. Criteria: Ambry Variant Classification Scheme 2023. Collection method: clinical testing. Allele origin: germline.
Comment: The p.G1427R variant (also known as c.4279G>C), located in coding exon 16 of the POLQ gene, results from a G to C substitution at nucleotide position 4279. The glycine at codon 1427 is replaced by arginine, an amino acid with dissimilar properties. This amino acid position is conserved. In addition, this alteration is predicted to be tolerated by in silico analysis. Since supporting evidence is limited at this time, the clinical significance of this alteration remains unclear.

NM_199420.4(POLQ):c.4279G>C (p.Gly1427Arg)

Gene: POLQ (DNA polymerase theta; minus strand). Cytogenetic location: 3q13.33.
Variant type: single nucleotide variant.
Coding change: c.4279G>C on transcript NM_199420.4 (MANE Select); coding-DNA position 4279, G replaced by C.
Protein change: p.Gly1427Arg; replaces glycine 1427 with arginine.
Molecular consequence: missense variant.
Genome position (GRCh38, 1-based): chr3:121,488,652, C>G on the plus strand (G>C on the coding strand, the complement: POLQ is on the minus strand). VCF-style: chr3-121488652-C-G. GRCh37 (hg19) VCF-style: chr3-121207499-C-G.
Other names: short protein forms G1427R.
Identifiers: ClinVar variation 3229990 (VCV003229990.1), dbSNP rs142830983, ClinGen allele CA2562924.